The following is an entry in ClinVar:

ClinVar aggregate classification (germline): Benign (1 of 4 stars; one submission).

Conditions:
Sessile serrated polyposis cancer syndrome (SSPCS). Identifiers: Orphanet 157798, MedGen C4310714, MONDO:0014919, OMIM 617108.

Submission:

Myriad Genetics, Inc.
Classification: Benign for Sessile serrated polyposis cancer syndrome. Last evaluated: 2026-07-01. Review status: criteria provided, single submitter. Criteria: Myriad Autosomal Dominant, Autosomal Recessive and X-Linked Classification Criteria (2023). Collection method: clinical testing. Allele origin: unknown.
Comment: This variant is considered benign. This variant is a silent/synonymous amino acid change and it is not expected to impact splicing.

NM_017763.6(RNF43):c.1032G>A (p.Gln344=)

Gene: RNF43 (ring finger protein 43; minus strand). Cytogenetic location: 17q22.
Variant type: single nucleotide variant.
Coding change: c.1032G>A on transcript NM_017763.6 (MANE Select); coding-DNA position 1032, G replaced by A.
Protein change: p.Gln344=; no amino-acid change (glutamine 344 retained).
Molecular consequence: synonymous variant.
Genome position (GRCh38, 1-based): chr17:58,358,744, C>T on the plus strand (G>A on the coding strand, the complement: RNF43 is on the minus strand). VCF-style: chr17-58358744-C-T. GRCh37 (hg19) VCF-style: chr17-56436105-C-T.
Other names: c.1032G>A, p.Gln344= (NM_001305544.3, NM_001438820.1, NM_001438821.1 and 1 more transcripts); c.651G>A, p.Gln217= (NM_001305545.2, NM_001437987.1).
Identifiers: ClinVar variation 5042393 (VCV005042393.1).